The following is an entry in ClinVar:

ClinVar aggregate classification (germline): Uncertain significance (1 of 4 stars; one submission).

Conditions:
Inborn genetic diseases. Identifiers: MedGen C0950123, MeSH D030342.

gnomAD v4.1: 1 of 1,613,888 alleles (0.000062%); highest among the groups gnomAD compares: African/African-American, 0.0013%; no homozygotes.

Submission:

Ambry Genetics
Classification: Uncertain significance for Inborn genetic diseases. Last evaluated: 2025-06-25. Review status: criteria provided, single submitter. Criteria: Ambry Variant Classification Scheme 2023. Collection method: clinical testing. Allele origin: germline.
Comment: The p.L801H variant (also known as c.2402T>A), located in coding exon 1 of the SAMD9L gene, results from a T to A substitution at nucleotide position 2402. The leucine at codon 801 is replaced by histidine, an amino acid with similar properties. This amino acid position is conserved. In addition, this alteration is predicted to be deleterious by in silico analysis. Based on the available evidence, the clinical significance of this variant remains unclear.

NM_152703.5(SAMD9L):c.2402T>A (p.Leu801His)

Gene: SAMD9L (sterile alpha motif domain containing 9 like; minus strand). Cytogenetic location: 7q21.2.
Variant type: single nucleotide variant.
Coding change: c.2402T>A on transcript NM_152703.5 (MANE Select); coding-DNA position 2402, T replaced by A.
Protein change: p.Leu801His; replaces leucine 801 with histidine.
Molecular consequence: missense variant.
Genome position (GRCh38, 1-based): chr7:93,133,570, A>T on the plus strand (T>A on the coding strand, the complement: SAMD9L is on the minus strand). VCF-style: chr7-93133570-A-T. GRCh37 (hg19) VCF-style: chr7-92762883-A-T.
Other names: c.2402T>A, p.Leu801His (NM_001303496.3, NM_001303497.3, NM_001303498.3 and 5 more transcripts); short protein forms L801H.
Identifiers: ClinVar variation 4159268 (VCV004159268.1).